The following is an entry in ClinVar:

ClinVar aggregate classification (germline): Uncertain significance. Review status: criteria provided, multiple submitters, no conflicts (2 of 4 stars). 2 submissions from 2 submitters: Uncertain significance (2). Last evaluated 2024-05-02.

Conditions:
Autosomal dominant hypocalcemia 1 (HYPOC1). Also called: HYPOCALCEMIA, FAMILIAL. Identifiers: MedGen C3715128, MONDO:0011013, OMIM 601198.
Familial hypocalciuric hypercalcemia (FHH). Also called: Familial benign hypercalcemia. Identifiers: Orphanet 405, MedGen C1809471, MONDO:0018458.
Nephrolithiasis/nephrocalcinosis. Identifiers: MedGen CN580796.

Allele frequency attached by ClinVar (database versions not stated): gnomAD exomes below 0.00001; TOPMed below 0.00001.
gnomAD v4.1: 2 of 1,614,216 alleles (0.00012%); highest among the groups gnomAD compares: East Asian, 0.0045%; no homozygotes.

Submissions (2):

Labcorp Genetics (formerly Invitae), Labcorp
Classification: Uncertain significance for Familial hypocalciuric hypercalcemia; Autosomal dominant hypocalcemia 1. Last evaluated: 2024-05-02. Review status: criteria provided, single submitter. Criteria: Invitae Variant Classification Sherloc (09022015). Collection method: clinical testing. Allele origin: germline.
Comment: This sequence change replaces valine, which is neutral and non-polar, with isoleucine, which is neutral and non-polar, at codon 1055 of the CASR protein (p.Val1055Ile). This variant is present in population databases (no rsID available, gnomAD 0.006%). This variant has not been reported in the literature in individuals affected with CASR-related conditions. ClinVar contains an entry for this variant (Variation ID: 854721). An algorithm developed to predict the effect of missense changes on protein structure and function (PolyPhen-2) suggests that this variant is likely to be tolerated. In summary, the available evidence is currently insufficient to determine the role of this variant in disease. Therefore, it has been classified as a Variant of Uncertain Significance.

Ambry Genetics
Classification: Uncertain significance for Nephrolithiasis/nephrocalcinosis. Last evaluated: 2023-10-26. Review status: criteria provided, single submitter. Criteria: Ambry Variant Classification Scheme 2023. Collection method: clinical testing. Allele origin: germline.
Comment: The p.V1055I variant (also known as c.3163G>A), located in coding exon 6 of the CASR gene, results from a G to A substitution at nucleotide position 3163. The valine at codon 1055 is replaced by isoleucine, an amino acid with highly similar properties. This amino acid position is highly conserved in available vertebrate species. In addition, this alteration is predicted to be tolerated by in silico analysis. Since supporting evidence is limited at this time, the clinical significance of this alteration remains unclear.

NM_000388.4(CASR):c.3163G>A (p.Val1055Ile)

Gene: CASR (calcium sensing receptor; plus strand). Cytogenetic location: 3q21.1.
Variant type: single nucleotide variant.
Coding change: c.3163G>A on transcript NM_000388.4 (MANE Select); coding-DNA position 3163, G replaced by A.
Protein change: p.Val1055Ile; replaces valine 1055 with isoleucine.
Molecular consequence: missense variant.
Genome position (GRCh38, 1-based): chr3:122,285,117, G>A. VCF-style: chr3-122285117-G-A. GRCh37 (hg19) VCF-style: chr3-122003964-G-A.
Other names: c.3193G>A, p.Val1065Ile (NM_001178065.2); short protein forms V1055I, V1065I.
Identifiers: ClinVar variation 854721 (VCV000854721.11), dbSNP rs1245761983, ClinGen allele CA354161648.